The following is an entry in ClinVar:

ClinVar aggregate classification (germline): Pathogenic. Review status: reviewed by expert panel (3 of 4 stars). 2 submissions from 2 submitters: Pathogenic (1). 1 of the submissions does not count toward it. Last evaluated 2018-04-01.

Conditions:
Hereditary breast ovarian cancer syndrome. Also called: Hereditary breast and ovarian cancer; Hereditary breast and ovarian cancer syndrome (HBOC); Hereditary breast and/or ovarian cancer syndrome; Breast and ovarian cancer; Hereditary breast and ovarian cancer syndrome; BRCA1- and BRCA2-Associated Hereditary Breast and Ovarian Cancer. Identifiers: Orphanet 145, MedGen C0677776, MeSH D061325, MONDO:0003582. Disease mechanism: loss of function.
Breast-ovarian cancer, familial, susceptibility to, 2 (BROVCA2). Also called: BRCA2 Hereditary Breast and Ovarian Cancer. Identifiers: Orphanet 145, MedGen C2675520, MONDO:0012933, OMIM 612555. Disease mechanism: loss of function.

Submissions (2):

Evidence-based Network for the Interpretation of Germline Mutant Alleles (ENIGMA)
Classification: Pathogenic for Breast-ovarian cancer, familial, susceptibility to, 2. Last evaluated: 2018-04-01. Review status: reviewed by expert panel. Criteria: ENIGMA BRCA1/2 Classification Criteria (2017-06-29). Collection method: curation. Allele origin: germline.
Comment: Class 5 Pathogenic based on posterior probability = 0.9993 (PMID: 29707112) from multifactorial likelihood analysis, thresholds for IARC Class as per Plon et al. 2008 (PMID: 18951446). This multifactorial calculation includes co-segregation analysis of one large family with an LR >1300:1 in favour of pathogenicity.

Labcorp Genetics (formerly Invitae), Labcorp
Classification: Pathogenic for Hereditary breast ovarian cancer syndrome. Last evaluated: 2016-12-14. Review status: criteria provided, single submitter. Criteria: Invitae Variant Classification Sherloc (09022015). Collection method: clinical testing. Allele origin: germline. Not counted in ClinVar's aggregate classification.
Comment: This variant is a gross deletion of the genomic region encompassing exon 3 of the BRCA2 gene. This leads to an in-frame deletion, preserving the integrity of the reading frame. A deletion of exon 3 has been reported to segregate with breast and/or ovarian cancer in two families (PMID: 21939546, 9537232), and has been observed in an unrelated individual affected with breast cancer and/or ovarian cancer (PMID: 24522996). This deletion affects the PALB2 binding domain of BRCA2 and deletes about 50% of the minimal sequence needed for PALB2 binding (PMID: 16793542, 9126734). For these reasons, this variant has been classified as Pathogenic.

Literature cited by the submitters: PubMed 29707112 (cited by Evidence-based Network for the Interpretation of Germline Mutant Alleles (ENIGMA)).

NM_000059.3(BRCA2):c.68-?_316+?del

Gene: BRCA2 (BRCA2 DNA repair associated; plus strand). Cytogenetic location: 13q13.1.
Variant type: Deletion.
Coding change: c.68-?_316+?del on transcript NM_000059.3.
Identifiers: ClinVar variation 417473 (VCV000417473.3).